The following is an entry in ClinVar:

ClinVar aggregate classification (germline): Uncertain significance (1 of 4 stars; one submission).

Conditions:
Progressive microcephaly-seizures-cortical blindness-developmental delay syndrome. Also called: Seizures, cortical blindness, and microcephaly syndrome. Identifiers: Orphanet 477814, MedGen C5567650, MONDO:0014714, OMIM 616632.
Autosomal dominant nonsyndromic hearing loss 1. Also called: KONIGSMARK SYNDROME; DEAFNESS, AUTOSOMAL DOMINANT 1, WITH OR WITHOUT THROMBOCYTOPENIA. Identifiers: Orphanet 90635, MedGen C1852282, MONDO:0007424, OMIM 124900.

Allele frequency attached by ClinVar (database versions not stated): ExAC 0.00001; TOPMed 0.00001; gnomAD exomes 0.00002.
gnomAD v4.1: 22 of 1,614,122 alleles (0.0014%); highest among the groups gnomAD compares: South Asian, 0.021%; no homozygotes.

Submission:

Labcorp Genetics (formerly Invitae), Labcorp
Classification: Uncertain significance for Progressive microcephaly-seizures-cortical blindness-developmental delay syndrome; Autosomal dominant nonsyndromic hearing loss 1. Last evaluated: 2024-10-29. Review status: criteria provided, single submitter. Criteria: Invitae Variant Classification Sherloc (09022015). Collection method: clinical testing. Allele origin: germline.
Comment: This sequence change replaces arginine, which is basic and polar, with glutamine, which is neutral and polar, at codon 197 of the DIAPH1 protein (p.Arg197Gln). This variant is present in population databases (rs763948267, gnomAD 0.01%). This variant has not been reported in the literature in individuals affected with DIAPH1-related conditions. ClinVar contains an entry for this variant (Variation ID: 2936217). Experimental studies and prediction algorithms are not available or were not evaluated, and the functional significance of this variant is currently unknown. In summary, the available evidence is currently insufficient to determine the role of this variant in disease. Therefore, it has been classified as a Variant of Uncertain Significance.

NM_005219.5(DIAPH1):c.590G>A (p.Arg197Gln)

Gene: DIAPH1 (diaphanous related formin 1; minus strand). Cytogenetic location: 5q31.3.
Variant type: single nucleotide variant.
Coding change: c.590G>A on transcript NM_005219.5 (MANE Select); coding-DNA position 590, G replaced by A.
Protein change: p.Arg197Gln; replaces arginine 197 with glutamine.
Molecular consequence: missense variant.
Genome position (GRCh38, 1-based): chr5:141,583,236, C>T on the plus strand (G>A on the coding strand, the complement: DIAPH1 is on the minus strand). VCF-style: chr5-141583236-C-T. GRCh37 (hg19) VCF-style: chr5-140962803-C-T.
Other names: c.563G>A, p.Arg188Gln (NM_001079812.3); c.590G>A, p.Arg197Gln (NM_001314007.2); short protein forms R188Q, R197Q.
Identifiers: ClinVar variation 2936217 (VCV002936217.3), dbSNP rs763948267, ClinGen allele CA3479564.